The following is an entry in ClinVar:

ClinVar aggregate classification (germline): Uncertain significance. Review status: criteria provided, multiple submitters, no conflicts (2 of 4 stars). 2 submissions from 2 submitters: Uncertain significance (2). Last evaluated 2026-02-03.

Conditions:
Neurodevelopmental disorder with or without seizures and gait abnormalities. Identifiers: MedGen C4693391, MONDO:0060641, OMIM 617864.

Submissions (2):

GeneDx
Classification: Uncertain significance. Last evaluated: 2026-02-03. Review status: criteria provided, single submitter. Criteria: GeneDx Variant Classification Process June 2021. Collection method: clinical testing. Allele origin: germline.
Comment: Not observed at significant frequency in large population cohorts (gnomAD); In silico analysis supports that this missense variant has a deleterious effect on protein structure/function; Has not been previously published as pathogenic or benign to our knowledge

Diagnostics Services (NGS), CSIR - Centre For Cellular And Molecular Biology
Classification: Uncertain significance for Neurodevelopmental disorder with or without seizures and gait abnormalities. Last evaluated: 2022-07-01. Review status: criteria provided, single submitter. Criteria: ACMG Guidelines, 2015. Collection method: clinical testing. Allele origin: unknown. Affected: yes. Observed: 1 variant allele, 1 heterozygote.
Comment: The c.221C>T variant is not present in publicly available population databases like 1000 Genomes, Exome Variant Server (EVS), Exome Aggregation Consortium (ExAC), Genome Aggregation Database (gnomAD) and Indian Exome Database. The variant is not present in our in-house exome database. The variant was not previously reported to ClinVar, Human Genome Mutation Database (HGMD) and/or OMIM databases, in any affected individuals. Predictions from different in-silico pathogenicity prediction programs like SIFT, PolyPhen-2, MutationTaster2, CADD, Varsome are contradictory.

NM_000829.4(GRIA4):c.221C>T (p.Ala74Val)

Gene: GRIA4 (glutamate ionotropic receptor AMPA type subunit 4; plus strand). Cytogenetic location: 11q22.3.
Variant type: single nucleotide variant.
Coding change: c.221C>T on transcript NM_000829.4 (MANE Select); coding-DNA position 221, C replaced by T.
Protein change: p.Ala74Val; replaces alanine 74 with valine.
Molecular consequence: missense variant. On other transcripts: non-coding transcript variant (1).
Genome position (GRCh38, 1-based): chr11:105,612,408, C>T. VCF-style: chr11-105612408-C-T. GRCh37 (hg19) VCF-style: chr11-105483135-C-T.
Other names: c.221C>T, p.Ala74Val (NM_001077243.3, NM_001077244.2, NM_001112812.2); c.221C>T (NM_000829.3); short protein forms A74V.
Identifiers: ClinVar variation 1802198 (VCV001802198.4), dbSNP rs2496353631, ClinGen allele CA382298774.
Genomic context (GRCh38, chr11:105,612,408, plus strand): 5'-GCCCCAATGCGTCGGAAGCTCCTTTTAATTTGGTACCTCATGTGGACAACATTGAGACAG[C>T]CAACAGTTTTGCTGTAACAAACGCCTGTAAGTAAAACATAAGCTATGAAAAATTAGAAGA-3'
Protein context (NP_000820.4, residues 64-84): LVPHVDNIET[Ala74Val]NSFAVTNAFC